The following is an entry in ClinVar:

NM_001853.4(COL9A3):c.1160C>T (p.Ala387Val)

Gene: COL9A3 (collagen type IX alpha 3 chain; plus strand). Cytogenetic location: 20q13.33.
Variant type: single nucleotide variant.
Coding change: c.1160C>T on transcript NM_001853.4 (MANE Select); coding-DNA position 1160, C replaced by T.
Protein change: p.Ala387Val; replaces alanine 387 with valine.
Molecular consequence: missense variant.
Genome position (GRCh38, 1-based): chr20:62,829,818, C>T. VCF-style: chr20-62829818-C-T. GRCh37 (hg19) VCF-style: chr20-61461170-C-T.
Other names: c.1160C>T, p.Ala387Val (LRG_1253t1); short protein forms A387V.
Identifiers: ClinVar variation 1375798 (VCV001375798.10), dbSNP rs140963282, ClinGen allele CA9949784.

ClinVar aggregate classification (germline): Conflicting classifications of pathogenicity. Review status: criteria provided, conflicting classifications (1 of 4 stars). 4 submissions from 4 submitters: Uncertain significance (3); Likely benign (1). Last evaluated 2026-01-12.

Conditions:
Inborn genetic diseases. Identifiers: MedGen C0950123, MeSH D030342.

Allele frequency attached by ClinVar (database versions not stated): gnomAD 0.00001; TOPMed 0.00003; ESP Exome Variant Server 0.00008; ExAC 0.00010.
gnomAD v4.1: 61 of 1,568,272 alleles (0.0039%); highest among the groups gnomAD compares: East Asian, 0.0093%; no homozygotes.

Submissions (4):

Labcorp Genetics (formerly Invitae), Labcorp
Classification: Uncertain significance. Last evaluated: 2026-01-12. Review status: criteria provided, single submitter. Criteria: Invitae Variant Classification Sherloc (09022015). Collection method: clinical testing. Allele origin: germline.
Comment: This sequence change replaces alanine, which is neutral and non-polar, with valine, which is neutral and non-polar, at codon 387 of the COL9A3 protein (p.Ala387Val). The frequency data for this variant in the population databases is considered unreliable, as metrics indicate poor data quality at this position in the gnomAD database. This variant has not been reported in the literature in individuals affected with COL9A3-related conditions. ClinVar contains an entry for this variant (Variation ID: 1375798). An algorithm developed to predict the effect of missense changes on protein structure and function outputs the following: PolyPhen-2: "Benign". The valine amino acid residue is found in multiple mammalian species, which suggests that this missense change does not adversely affect protein function. In summary, the available evidence is currently insufficient to determine the role of this variant in disease. Therefore, it has been classified as a Variant of Uncertain Significance.

GeneDx
Classification: Uncertain significance. Last evaluated: 2025-08-26. Review status: criteria provided, single submitter. Criteria: GeneDx Variant Classification Process June 2021. Collection method: clinical testing. Allele origin: germline.
Comment: Has not been previously published as pathogenic or benign to our knowledge; In silico analysis suggests that this missense variant does not alter protein structure/function

Blueprint Genetics
Classification: Likely benign. Last evaluated: 2024-06-06. Review status: criteria provided, single submitter. Criteria: ACMG Guidelines, 2015. Collection method: clinical testing. Allele origin: germline.

Ambry Genetics
Classification: Uncertain significance for Inborn genetic diseases. Last evaluated: 2023-11-27. Review status: criteria provided, single submitter. Criteria: Ambry Variant Classification Scheme 2023. Collection method: clinical testing. Allele origin: germline.